The following is an entry in ClinVar:

NM_005188.4(CBL):c.202C>T (p.Arg68Trp)

Gene: CBL (Cbl proto-oncogene; plus strand). Cytogenetic location: 11q23.3.
Variant type: single nucleotide variant.
Coding change: c.202C>T on transcript NM_005188.4 (MANE Select); coding-DNA position 202, C replaced by T.
Protein change: p.Arg68Trp; replaces arginine 68 with tryptophan.
Molecular consequence: missense variant.
Genome position (GRCh38, 1-based): chr11:119,232,454, C>T. VCF-style: chr11-119232454-C-T. GRCh37 (hg19) VCF-style: chr11-119103164-C-T.
Other names: p.R68W:CGG>TGG; short protein forms R68W.
Identifiers: ClinVar variation 180811 (VCV000180811.15), dbSNP rs730880429, ClinGen allele CA295974.

ClinVar aggregate classification (germline): Uncertain significance. Review status: criteria provided, multiple submitters, no conflicts (2 of 4 stars). 4 submissions from 4 submitters: Uncertain significance (4). Last evaluated 2024-11-22.

Conditions:
Cardiovascular phenotype. Identifiers: MedGen CN230736.
CBL-related disorder. Also called: NOONAN SYNDROME-LIKE DISORDER WITHOUT JUVENILE MYELOMONOCYTIC LEUKEMIA; CBL MUTATION-ASSOCIATED SYNDROME; CBL SYNDROME. Identifiers: Orphanet 363972, MedGen C3150803, MONDO:0013308, OMIM 613563.
Juvenile myelomonocytic leukemia (JMML). Also called: LEUKEMIA, JUVENILE MYELOMONOCYTIC, SOMATIC. Identifiers: Orphanet 86834, MedGen C0349639, MONDO:0011908, OMIM 607785, HP:0012209.
RASopathy. Also called: Noonan spectrum disorder; rasopathies. Identifiers: Orphanet 536391, MedGen C5555857, MONDO:0021060.

Allele frequency attached by ClinVar (database versions not stated): gnomAD exomes 0.00001.

Submissions (4):

Ambry Genetics
Classification: Uncertain significance for Cardiovascular phenotype. Last evaluated: 2024-11-22. Review status: criteria provided, single submitter. Criteria: Ambry Variant Classification Scheme 2023. Collection method: clinical testing. Allele origin: germline.
Comment: The p.R68W variant (also known as c.202C>T), located in coding exon 2 of the CBL gene, results from a C to T substitution at nucleotide position 202. The arginine at codon 68 is replaced by tryptophan, an amino acid with dissimilar properties. This amino acid position is conserved. In addition, this alteration is predicted to be deleterious by in silico analysis. Based on the available evidence, the clinical significance of this variant remains unclear.

GeneDx
Classification: Uncertain significance. Last evaluated: 2023-08-26. Review status: criteria provided, single submitter. Criteria: GeneDx Variant Classification Process June 2021. Collection method: clinical testing. Allele origin: germline. Affected: yes.
Comment: In silico analysis supports that this missense variant has a deleterious effect on protein structure/function; Has not been previously published as pathogenic or benign to our knowledge; This variant is associated with the following publications: (PMID: 18034775, 20619386)

Fulgent Genetics
Classification: Uncertain significance for Juvenile myelomonocytic leukemia; CBL-related disorder. Last evaluated: 2021-09-27. Review status: criteria provided, single submitter. Criteria: ACMG Guidelines, 2015. Collection method: clinical testing. Allele origin: unknown.

Labcorp Genetics (formerly Invitae), Labcorp
Classification: Uncertain significance for RASopathy. Last evaluated: 2021-05-05. Review status: criteria provided, single submitter. Criteria: Invitae Variant Classification Sherloc (09022015). Collection method: clinical testing. Allele origin: germline.
Comment: In summary, this variant is a rare missense change with uncertain impact on protein function. It has been classified as a Variant of Uncertain Significance. Algorithms developed to predict the effect of missense changes on protein structure and function (SIFT, PolyPhen-2, Align-GVGD) all suggest that this variant is likely to be disruptive, but these predictions have not been confirmed by published functional studies. This variant is not present in population databases (ExAC no frequency) and has not been reported in the literature in individuals with a CBL-related disease. ClinVar contains an entry for this variant (Variation ID: 180811). This sequence change replaces arginine with tryptophan at codon 68 of the CBL protein (p.Arg68Trp). The arginine residue is highly conserved and there is a moderate physicochemical difference between arginine and tryptophan.